The following is an entry in ClinVar:

NM_000222.3(KIT):c.478T>A (p.Leu160Met)

Gene: KIT (KIT proto-oncogene, receptor tyrosine kinase; plus strand). Cytogenetic location: 4q12.
Variant type: single nucleotide variant.
Coding change: c.478T>A on transcript NM_000222.3 (MANE Select); coding-DNA position 478, T replaced by A.
Protein change: p.Leu160Met; replaces leucine 160 with methionine.
Molecular consequence: missense variant.
Genome position (GRCh38, 1-based): chr4:54,698,424, T>A. VCF-style: chr4-54698424-T-A. GRCh37 (hg19) VCF-style: chr4-55564590-T-A.
Other names: c.478T>A, p.Leu160Met (NM_001093772.2, NM_001385284.1, NM_001385285.1 and 4 more transcripts); short protein forms L160M.
Identifiers: ClinVar variation 849254 (VCV000849254.10), dbSNP rs763226471, ClinGen allele CA2923249.
Genomic context (GRCh38, chr4:54,698,424, plus strand): 5'-GACCCAGAAGTGACCAATTATTCCCTCAAGGGGTGCCAGGGGAAGCCTCTTCCCAAGGAC[T>A]TGAGGTTTATTCCTGACCCCAAGGCGGGCATCATGATCAAAAGTGTGAAACGCGCCTACC-3'
Protein context (NP_000213.1, residues 150-170): GCQGKPLPKD[Leu160Met]RFIPDPKAGI

ClinVar aggregate classification (germline): Conflicting classifications of pathogenicity. Review status: criteria provided, conflicting classifications (1 of 4 stars). 2 submissions from 2 submitters: Uncertain significance (1); Likely benign (1). Last evaluated 2024-05-26.

Conditions:
Hereditary cancer-predisposing syndrome. Also called: Neoplastic Syndromes, Hereditary; Tumor predisposition; Hereditary Cancer Syndrome; Hereditary neoplastic syndrome. Identifiers: Orphanet 140162, MedGen C0027672, MeSH D009386, MONDO:0015356.
Gastrointestinal stromal tumor. Also called: Gastrointestinal stromal tumor, somatic; Gastrointestinal stroma tumor. Identifiers: Orphanet 44890, MedGen C0238198, MeSH D046152, MONDO:0011719, OMIM 606764, HP:0100723.

Allele frequency attached by ClinVar (database versions not stated): gnomAD below 0.00001 and 0.00001; gnomAD exomes 0.00001 and 0.00002; ExAC 0.00003.
gnomAD v4.1: 14 of 1,614,058 alleles (0.00087%); highest among the groups gnomAD compares: South Asian, 0.015%; no homozygotes.

Submissions (2):

Labcorp Genetics (formerly Invitae), Labcorp
Classification: Uncertain significance for Gastrointestinal stromal tumor. Last evaluated: 2024-05-26. Review status: criteria provided, single submitter. Criteria: Invitae Variant Classification Sherloc (09022015). Collection method: clinical testing. Allele origin: germline.
Comment: This sequence change replaces leucine, which is neutral and non-polar, with methionine, which is neutral and non-polar, at codon 160 of the KIT protein (p.Leu160Met). This variant is present in population databases (rs763226471, gnomAD 0.02%). This variant has not been reported in the literature in individuals affected with KIT-related conditions. ClinVar contains an entry for this variant (Variation ID: 849254). An algorithm developed to predict the effect of missense changes on protein structure and function (PolyPhen-2) suggests that this variant¬†is likely to be tolerated. In summary, the available evidence is currently insufficient to determine the role of this variant in disease. Therefore, it has been classified as a Variant of Uncertain Significance.

Ambry Genetics
Classification: Likely benign for Hereditary cancer-predisposing syndrome. Last evaluated: 2023-06-10. Review status: criteria provided, single submitter. Criteria: Ambry Variant Classification Scheme 2023. Collection method: clinical testing. Allele origin: germline.